The following is an entry in ClinVar:

NM_006033.4(LIPG):c.239A>G (p.Asn80Ser)

Gene: LIPG (lipase G, endothelial type; plus strand). Cytogenetic location: 18q21.1.
Variant type: single nucleotide variant.
Coding change: c.239A>G on transcript NM_006033.4 (MANE Select); coding-DNA position 239, A replaced by G.
Protein change: p.Asn80Ser; replaces asparagine 80 with serine.
Molecular consequence: missense variant.
Genome position (GRCh38, 1-based): chr18:49,565,458, A>G. VCF-style: chr18-49565458-A-G. GRCh37 (hg19) VCF-style: chr18-47091828-A-G.
Other names: c.239A>G, p.Asn80Ser (NM_001308006.2); short protein forms N80S.
Identifiers: ClinVar variation 4098259 (VCV004098259.2).

ClinVar aggregate classification (germline): Uncertain significance. Review status: criteria provided, multiple submitters, no conflicts (2 of 4 stars). 2 submissions from 2 submitters: Uncertain significance (2). Last evaluated 2025-10-03.

Submissions (2):

Labcorp Genetics (formerly Invitae), Labcorp
Classification: Uncertain significance. Last evaluated: 2025-10-03. Review status: criteria provided, single submitter. Criteria: Invitae Variant Classification Sherloc (09022015). Collection method: clinical testing. Allele origin: germline.
Comment: This sequence change replaces asparagine, which is neutral and polar, with serine, which is neutral and polar, at codon 80 of the LIPG protein (p.Asn80Ser). This variant is present in population databases (rs200444339, gnomAD 0.03%). This missense change has been observed in individual(s) with dyslipidemia (PMID: 32041611). An algorithm developed to predict the effect of missense changes on protein structure and function (PolyPhen-2) suggests that this variant is likely to be disruptive. In summary, the available evidence is currently insufficient to determine the role of this variant in disease. Therefore, it has been classified as a Variant of Uncertain Significance.

Ambry Genetics
Classification: Uncertain significance. Last evaluated: 2025-08-31. Review status: criteria provided, single submitter. Criteria: Ambry Variant Classification Scheme 2023. Collection method: clinical testing. Allele origin: germline.

Literature cited by the submitters: PubMed 32041611 (cited by Labcorp Genetics (formerly Invitae), Labcorp).